The following is an entry in ClinVar:

ClinVar aggregate classification (germline): Uncertain significance (1 of 4 stars; one submission).

Conditions:
Long QT syndrome (LQTS). Identifiers: MedGen C0023976, MeSH D008133, MONDO:0002442. Disease mechanism: loss of function. Inheritance: Various modes of inheritance.

Submission:

Labcorp Genetics (formerly Invitae), Labcorp
Classification: Uncertain significance for Long QT syndrome. Last evaluated: 2022-04-23. Review status: criteria provided, single submitter. Criteria: Invitae Variant Classification Sherloc (09022015). Collection method: clinical testing. Allele origin: germline.
Comment: In summary, the available evidence is currently insufficient to determine the role of this variant in disease. Therefore, it has been classified as a Variant of Uncertain Significance. Algorithms developed to predict the effect of missense changes on protein structure and function are either unavailable or do not agree on the potential impact of this missense change (SIFT: "Tolerated"; PolyPhen-2: "Probably Damaging"; Align-GVGD: "Class C0"). This variant has not been reported in the literature in individuals affected with CACNA1C-related conditions. This variant is not present in population databases (gnomAD no frequency). This sequence change replaces arginine, which is basic and polar, with leucine, which is neutral and non-polar, at codon 1322 of the CACNA1C protein (p.Arg1322Leu).

NM_000719.7(CACNA1C):c.3965G>T (p.Arg1322Leu)

Gene: CACNA1C (calcium voltage-gated channel subunit alpha1 C; plus strand). Cytogenetic location: 12p13.33.
Variant type: single nucleotide variant.
Coding change: c.3965G>T on transcript NM_000719.7 (MANE Select); coding-DNA position 3965, G replaced by T.
Protein change: p.Arg1322Leu; replaces arginine 1322 with leucine.
Molecular consequence: missense variant.
Genome position (GRCh38, 1-based): chr12:2,651,659, G>T. VCF-style: chr12-2651659-G-T. GRCh37 (hg19) VCF-style: chr12-2760825-G-T.
Other names: c.4109G>T, p.Arg1370Leu (NM_001129827.2, NM_199460.4); c.4031G>T, p.Arg1344Leu (NM_001129829.2); c.3965G>T, p.Arg1322Leu (NM_001129830.3, NM_001129833.2, NM_001129834.2 and 7 more transcripts); c.4049G>T, p.Arg1350Leu (NM_001129831.2); c.4025G>T, p.Arg1342Leu (NM_001129832.2); c.4016G>T, p.Arg1339Leu (NM_001129836.2); c.3932G>T, p.Arg1311Leu (NM_001129837.2, NM_001129838.2, NM_001129846.2 and 1 more transcripts); c.3926G>T, p.Arg1309Leu (NM_001129839.2); and 1 more; short protein forms R1339L, R1350L, R1309L, R1344L, R1370L, R1311L, R1319L, R1322L.
Identifiers: ClinVar variation 2129485 (VCV002129485.4), dbSNP rs2527678645, ClinGen allele CA383373471.